The following is an entry in ClinVar:

ClinVar aggregate classification (germline): Uncertain significance (1 of 4 stars; one submission).

Allele frequency attached by ClinVar (database versions not stated): TOPMed below 0.00001; gnomAD 0.00002 and 0.00003.
gnomAD v4.1: 14 of 1,612,694 alleles (0.00087%); highest among the groups gnomAD compares: African/African-American, 0.004%; no homozygotes.

Submission:

Labcorp Genetics (formerly Invitae), Labcorp
Classification: Uncertain significance. Last evaluated: 2022-03-19. Review status: criteria provided, single submitter. Criteria: Invitae Variant Classification Sherloc (09022015). Collection method: clinical testing. Allele origin: germline.
Comment: This sequence change replaces alanine, which is neutral and non-polar, with valine, which is neutral and non-polar, at codon 460 of the CACNA2D4 protein (p.Ala460Val). This variant is not present in population databases (gnomAD no frequency). This variant has not been reported in the literature in individuals affected with CACNA2D4-related conditions. Algorithms developed to predict the effect of missense changes on protein structure and function (SIFT, PolyPhen-2, Align-GVGD) all suggest that this variant is likely to be disruptive. In summary, the available evidence is currently insufficient to determine the role of this variant in disease. Therefore, it has been classified as a Variant of Uncertain Significance.

NM_172364.5(CACNA2D4):c.1379C>T (p.Ala460Val)

Gene: CACNA2D4 (calcium voltage-gated channel auxiliary subunit alpha2delta 4; minus strand). Cytogenetic location: 12p13.33.
Variant type: single nucleotide variant.
Coding change: c.1379C>T on transcript NM_172364.5 (MANE Select); coding-DNA position 1379, C replaced by T.
Protein change: p.Ala460Val; replaces alanine 460 with valine.
Molecular consequence: missense variant.
Genome position (GRCh38, 1-based): chr12:1,882,973, G>A on the plus strand (C>T on the coding strand, the complement: CACNA2D4 is on the minus strand). VCF-style: chr12-1882973-G-A. GRCh37 (hg19) VCF-style: chr12-1992139-G-A.
Other names: short protein forms A460V.
Identifiers: ClinVar variation 1401739 (VCV001401739.6), dbSNP rs1173208667, ClinGen allele CA383356431.